The following is an entry in ClinVar:

ClinVar aggregate classification (germline): Uncertain significance (1 of 4 stars; one submission).

Allele frequency attached by ClinVar (database versions not stated): gnomAD exomes below 0.00001 and 0.00001; gnomAD 0.00001; TOPMed 0.00002.
gnomAD v4.1: 5 of 1,614,028 alleles (0.00031%); highest among the groups gnomAD compares: Admixed American, 0.005%; no homozygotes.

Submission:

GeneDx
Classification: Uncertain significance. Last evaluated: 2013-09-10. Review status: criteria provided, single submitter. Criteria: GeneDx Variant Classification (06012015). Collection method: clinical testing. Allele origin: germline. Affected: yes.
Comment: p.Thr472Ile (ACC>ATC): c.1415 C>T in exon 2 of the ALDH1B1 gene (NM_000692.4). The T472I missense substitution has not been published as a mutation, nor has it been reported as a benign polymorphism to our knowledge. The amino acid change is non-conservative in that a polar Threonine residue is replaced by a non-polar Isoleucine residue. This change occurs at a position in the ALDH1B1 gene that is conserved in mammals. In-silico analyses predict that T472I is a benign sequence change. Therefore, based on the currently available information, it is unclear whether T472I is a disease-causing mutation or a rare benign variant. The variant is found in MITONUC-MITOP panel(s).

NM_000692.5(ALDH1B1):c.1415C>T (p.Thr472Ile)

Gene: ALDH1B1 (aldehyde dehydrogenase 1 family member B1; plus strand). Cytogenetic location: 9p13.1.
Variant type: single nucleotide variant.
Coding change: c.1415C>T on transcript NM_000692.5 (MANE Select); coding-DNA position 1415, C replaced by T.
Protein change: p.Thr472Ile; replaces threonine 472 with isoleucine.
Molecular consequence: missense variant.
Genome position (GRCh38, 1-based): chr9:38,397,163, C>T. VCF-style: chr9-38397163-C-T. GRCh37 (hg19) VCF-style: chr9-38397160-C-T.
Other names: p.T472I:ACC>ATC; short protein forms T472I.
Identifiers: ClinVar variation 214118 (VCV000214118.2), dbSNP rs863223907, ClinGen allele CA324793.